The following is an entry in ClinVar:

NM_000179.3(MSH6):c.3964G>A (p.Glu1322Lys)

Gene: MSH6 (mutS homolog 6; plus strand). Cytogenetic location: 2p16.3.
Variant type: single nucleotide variant.
Coding change: c.3964G>A on transcript NM_000179.3 (MANE Select); coding-DNA position 3964, G replaced by A.
Protein change: p.Glu1322Lys; replaces glutamic acid 1322 with lysine.
Molecular consequence: missense variant.
Genome position (GRCh38, 1-based): chr2:47,806,614, G>A. VCF-style: chr2-47806614-G-A. GRCh37 (hg19) VCF-style: chr2-48033753-G-A.
Other names: c.3574G>A, p.Glu1192Lys (NM_001281492.2); c.3058G>A, p.Glu1020Lys (NM_001281493.2, NM_001281494.2); short protein forms E1322K, E1020K, E1192K.
Identifiers: ClinVar variation 619542 (VCV000619542.10), dbSNP rs1553333707, ClinGen allele CA346761549.

ClinVar aggregate classification (germline): Conflicting classifications of pathogenicity. Review status: criteria provided, conflicting classifications (1 of 4 stars). 3 submissions from 3 submitters: Uncertain significance (2); Likely benign (1). Last evaluated 2024-04-04.

Conditions:
Hereditary nonpolyposis colorectal neoplasms. Identifiers: MedGen C0009405, MeSH D003123.
Lynch syndrome. Identifiers: Orphanet 144, MedGen C4552100, MONDO:0005835. Disease mechanism: loss of function.
Hereditary cancer-predisposing syndrome. Also called: Neoplastic Syndromes, Hereditary; Hereditary neoplastic syndrome; Tumor predisposition; Hereditary Cancer Syndrome. Identifiers: Orphanet 140162, MedGen C0027672, MeSH D009386, MONDO:0015356.

Allele frequency attached by ClinVar (database versions not stated): gnomAD exomes below 0.00001.
gnomAD v4.1: 1 of 1,612,438 alleles (0.000062%); highest among the groups gnomAD compares: Non-Finnish European, 0.000085%; no homozygotes.

Submissions (3):

Labcorp Genetics (formerly Invitae), Labcorp
Classification: Uncertain significance for Hereditary nonpolyposis colorectal neoplasms. Last evaluated: 2024-04-04. Review status: criteria provided, single submitter. Criteria: Invitae Variant Classification Sherloc (09022015). Collection method: clinical testing. Allele origin: germline.
Comment: This sequence change replaces glutamic acid, which is acidic and polar, with lysine, which is basic and polar, at codon 1322 of the MSH6 protein (p.Glu1322Lys). This variant is not present in population databases (gnomAD no frequency). This variant has not been reported in the literature in individuals affected with MSH6-related conditions. ClinVar contains an entry for this variant (Variation ID: 619542). Advanced modeling of protein sequence and biophysical properties (such as structural, functional, and spatial information, amino acid conservation, physicochemical variation, residue mobility, and thermodynamic stability) performed at Invitae indicates that this missense variant is not expected to disrupt MSH6 protein function with a negative predictive value of 95%. Experimental studies have shown that this missense change does not substantially affect MSH6 function (PMID: 31965077). In summary, the available evidence is currently insufficient to determine the role of this variant in disease. Therefore, it has been classified as a Variant of Uncertain Significance.

Ambry Genetics
Classification: Uncertain significance for Hereditary cancer-predisposing syndrome. Last evaluated: 2022-12-08. Review status: criteria provided, single submitter. Criteria: Ambry Variant Classification Scheme 2023. Collection method: clinical testing. Allele origin: germline.
Comment: The p.E1322K variant (also known as c.3964G>A), located in coding exon 9 of the MSH6 gene, results from a G to A substitution at nucleotide position 3964. The glutamic acid at codon 1322 is replaced by lysine, an amino acid with similar properties. Using a Bayesian analysis that incorporates tumor mutation data, this variant was classified as likely benign (Shirts BH et al. Am J Hum Genet, 2018 Jul;103:19-29). In an in vitro complementation assay using MSH6 deficient nuclear extracts from cells, this variant was shown to be functional (Drost M et al. Genet Med, 2020 May;22:847-856). This amino acid position is well conserved in available vertebrate species. In addition, this alteration is predicted to be deleterious by in silico analysis. Since supporting evidence is limited at this time, the clinical significance of this alteration remains unclear.

University of Washington Department of Laboratory Medicine, University of Washington
Classification: Likely benign for Lynch syndrome. Last evaluated: 2018-05-01. Review status: criteria provided, single submitter. Criteria: Shirts BH et al. (Am J Hum Genet 2018). Collection method: clinical testing. Allele origin: somatic. Affected: yes.
Comment: MSH6 NM_000179.2:c.3964G>A has a 1.8% probability of pathogenicity based on combining prior probability from public data with a likelihood ratio of 0.16 to 1, generated from evidence of seeing this as a somatic mutation in a tumor with loss of heterozygosity at the MSH6 locus. See Shirts et al 2018, PMID 29887214.

Literature cited by the submitters: PubMed 31965077 (cited by Labcorp Genetics (formerly Invitae), Labcorp and Ambry Genetics); PubMed 29887214 (cited by Ambry Genetics).